The following is an entry in ClinVar:

ClinVar aggregate classification (germline): Uncertain significance (1 of 4 stars; one submission).

Submissions (3):

Ambry Genetics
Classification: Uncertain significance. Last evaluated: 2024-03-27. Review status: criteria provided, single submitter. Criteria: Ambry Variant Classification Scheme 2023. Collection method: clinical testing. Allele origin: germline.
Comment: The p.R825I variant (also known as c.2474G>T), located in coding exon 4 of the ALPK2 gene, results from a G to T substitution at nucleotide position 2474. The arginine at codon 825 is replaced by isoleucine, an amino acid with similar properties. This amino acid position is conserved. In addition, this alteration is predicted to be tolerated by in silico analysis. Based on the available evidence, the clinical significance of this alteration remains unclear.

Dr. Peter K. Rogan Lab, Western University
No classification provided (evidence only). Condition: Nonpapillary renal cell carcinoma. Review status: no classification provided. Collection method: in vitro. Allele origin: not applicable. Functional consequence: retained intron. Not counted in ClinVar's aggregate classification.

Dr. Peter K. Rogan Lab, Western University
No classification provided (evidence only). Condition: Ovarian serous cystadenocarcinoma. Review status: no classification provided. Collection method: in vitro. Allele origin: not applicable. Functional consequence: retained intron. Not counted in ClinVar's aggregate classification.

NM_052947.4(ALPK2):c.2474G>T (p.Arg825Ile)

Gene: ALPK2 (alpha kinase 2; minus strand). Cytogenetic location: 18q21.31.
Variant type: single nucleotide variant.
Coding change: c.2474G>T on transcript NM_052947.4 (MANE Select); coding-DNA position 2474, G replaced by T.
Protein change: p.Arg825Ile; replaces arginine 825 with isoleucine.
Molecular consequence: missense variant.
Genome position (GRCh38, 1-based): chr18:58,537,713, C>A on the plus strand (G>T on the coding strand, the complement: ALPK2 is on the minus strand). VCF-style: chr18-58537713-C-A. GRCh37 (hg19) VCF-style: chr18-56204945-C-A.
Other names: NC_000018.9:g.56204945C>A; short protein forms R825I.
Identifiers: ClinVar variation 3289870 (VCV003289870.2).
Genomic context (GRCh38, chr18:58,537,713, plus strand): 5'-CCTTCTGCCAGTTCCGTATCTACAGAGCAAATTTCTTGAGGCGAATATTTATCAACTGGT[C>A]TCCCAACAAGAGAATCTATGGTATCAAAACACGTTCCTTGGTCACCAGCCTCAAAACACT-3'
Protein context (NP_443179.3, residues 815-835): CFDTIDSLVG[Arg825Ile]PVDKYSPQEI